The following is an entry in ClinVar:

ClinVar aggregate classification (germline): Uncertain significance (1 of 4 stars; one submission).

Conditions:
ATP8B1-related disorder. Also called: ATP8B1-related disorders; ATP8B1-related condition.

gnomAD v4.1: 36 of 1,613,888 alleles (0.0022%); highest among the groups gnomAD compares: Admixed American, 0.017%; no homozygotes.

Submission:

PreventionGenetics, part of Exact Sciences
Classification: Uncertain significance for ATP8B1-related condition. Last evaluated: 2025-11-14. Review status: criteria provided, single submitter. Criteria: ACMG Guidelines, 2015. Collection method: clinical testing. Allele origin: germline.
Comment: The ATP8B1 c.223G>A variant is predicted to result in the amino acid substitution p.Glu75Lys. To our knowledge, this variant has not been reported in the literature. This variant is reported in 0.0085% of alleles in individuals of Latino descent in gnomAD. At this time, the clinical significance of this variant is uncertain due to the absence of conclusive functional and genetic evidence.

NM_001374385.1(ATP8B1):c.223G>A (p.Glu75Lys)

Gene: ATP8B1 (ATPase phospholipid transporting 8B1; minus strand). Cytogenetic location: 18q21.31.
Variant type: single nucleotide variant.
Coding change: c.223G>A on transcript NM_001374385.1 (MANE Select); coding-DNA position 223, G replaced by A.
Protein change: p.Glu75Lys; replaces glutamic acid 75 with lysine.
Molecular consequence: missense variant. On other transcripts: intron variant (1).
Genome position (GRCh38, 1-based): chr18:57,706,546, C>T on the plus strand (G>A on the coding strand, the complement: ATP8B1 is on the minus strand). VCF-style: chr18-57706546-C-T. GRCh37 (hg19) VCF-style: chr18-55373778-C-T.
Other names: c.223G>A, p.Glu75Lys (NM_005603.6); c.130-1878G>A (NM_001374386.1); short protein forms E75K.
Identifiers: ClinVar variation 4981845 (VCV004981845.1).